The following is an entry in ClinVar:

ClinVar aggregate classification (germline): Likely benign (1 of 4 stars; one submission).

Allele frequency attached by ClinVar (database versions not stated): 1000 Genomes Project 0.00020; 1000 Genomes Project 30x 0.00047; TOPMed 0.00106; gnomAD 0.00125.
gnomAD v4.1: 189 of 152,308 alleles (0.12%); highest among the groups gnomAD compares: Non-Finnish European, 0.21%; no homozygotes.

Submission:

CeGaT Center for Human Genetics Tuebingen
Classification: Likely benign. Last evaluated: 2023-02-01. Review status: criteria provided, single submitter. Criteria: CeGaT Center For Human Genetics Tuebingen Variant Classification Criteria Version 2. Collection method: clinical testing. Allele origin: germline. Affected: yes. Observed: 2 variant alleles.
Comment: HRAS: BS1

NC_000011.10:g.528669C>T

Genes: HRAS (HRas proto-oncogene, GTPase; minus strand), LRRC56 (leucine rich repeat containing 56; plus strand). Cytogenetic location: 11p15.5.
Variant type: single nucleotide variant.
Genome position: GRCh38 VCF-style: chr11-528669-C-T. GRCh37 (hg19) VCF-style: chr11-528669-C-T.
Identifiers: ClinVar variation 2641055 (VCV002641055.24), dbSNP rs181042528, ClinGen allele CA216940533.